The following is an entry in ClinVar:

NM_000051.4(ATM):c.6757A>T (p.Lys2253Ter)

Genes: ATM (ATM serine/threonine kinase; plus strand), C11orf65 (chromosome 11 open reading frame 65; minus strand). Cytogenetic location: 11q22.3.
Variant type: single nucleotide variant.
Coding change: c.6757A>T on transcript NM_000051.4 (MANE Select); coding-DNA position 6757, A replaced by T.
Protein change: p.Lys2253Ter; replaces lysine 2253 with a stop codon.
Molecular consequence: nonsense. On other transcripts: intron variant (2).
Genome position (GRCh38, 1-based): chr11:108,325,494, A>T. VCF-style: chr11-108325494-A-T. GRCh37 (hg19) VCF-style: chr11-108196221-A-T.
Other names: c.6757A>T, p.Lys2253Ter (NM_001351834.2); c.641-16423T>A (NM_001330368.2); c.*38+9726T>A (NM_001351110.2); short protein forms K2253*.
Identifiers: ClinVar variation 859454 (VCV000859454.32), dbSNP rs863224578, ClinGen allele CA382555317.
Genomic context (GRCh38, chr11:108,325,494, plus strand): 5'-ATCCTGATGGAAAAGGAAATGGACAACTCACAAAGAGAATGTATTAAGGACATTCTCACC[A>T]AACACCTTGTAGAACTCTCTATACTGGCCAGAACTTTCAAGAACACTCAGGTAAATACAA-3'

ClinVar aggregate classification (germline): Pathogenic. Review status: criteria provided, multiple submitters, no conflicts (2 of 4 stars). 3 submissions from 3 submitters: Pathogenic (3). Last evaluated 2023-06-01.

Conditions:
Hereditary cancer-predisposing syndrome. Also called: Tumor predisposition; Neoplastic Syndromes, Hereditary; Hereditary Cancer Syndrome; Hereditary neoplastic syndrome. Identifiers: Orphanet 140162, MedGen C0027672, MeSH D009386, MONDO:0015356.
Ataxia-telangiectasia syndrome (AT). Also called: ATAXIA-TELANGIECTASIA, COMPLEMENTATION GROUP A; ATAXIA-TELANGIECTASIA, FRESNO VARIANT; Ataxia-telangiectasia; Ataxia-telangiectasia, complementation group D; AT, COMPLEMENTATION GROUP C; Ataxia-telangiectasia, complementation group E. Identifiers: Orphanet 100, MedGen C0004135, MONDO:0008840, OMIM 208900.

Submissions (3):

CeGaT Center for Human Genetics Tuebingen
Classification: Pathogenic. Last evaluated: 2023-06-01. Review status: criteria provided, single submitter. Criteria: CeGaT Center For Human Genetics Tuebingen Variant Classification Criteria Version 2. Collection method: clinical testing. Allele origin: germline. Affected: yes. Observed: 1 variant allele.
Comment: ATM: PVS1, PM2

Color Diagnostics, LLC DBA Color Health
Classification: Pathogenic for Hereditary cancer-predisposing syndrome. Last evaluated: 2023-05-23. Review status: criteria provided, single submitter. Criteria: ACMG Guidelines, 2015. Collection method: clinical testing. Allele origin: germline.
Comment: This variant changes 1 nucleotide in exon 46 of the ATM gene, creating a premature translation stop signal. This variant is expected to result in an absent or non-functional protein product. To our knowledge, this variant has not been reported in individuals affected with ATM-related disorders in the literature. This variant has not been identified in the general population by the Genome Aggregation Database (gnomAD). Loss of ATM function is a known mechanism of disease. Based on the available evidence, this variant is classified as Pathogenic.

Labcorp Genetics (formerly Invitae), Labcorp
Classification: Pathogenic for Ataxia-telangiectasia syndrome. Last evaluated: 2019-06-24. Review status: criteria provided, single submitter. Criteria: Invitae Variant Classification Sherloc (09022015). Collection method: clinical testing. Allele origin: germline.
Comment: This sequence change creates a premature translational stop signal (p.Lys2253*) in the ATM gene. It is expected to result in an absent or disrupted protein product. For these reasons, this variant has been classified as Pathogenic. Loss-of-function variants in ATM are known to be pathogenic (PMID: 23807571, 25614872). This variant has not been reported in the literature in individuals with ATM-related conditions. This variant is not present in population databases (ExAC no frequency).

Literature cited by the submitters: PubMed 23807571 (cited by Labcorp Genetics (formerly Invitae), Labcorp); PubMed 25614872 (cited by Labcorp Genetics (formerly Invitae), Labcorp).